The following is an entry in ClinVar:

NM_001111.5(ADAR):c.2158G>C (p.Val720Leu)

Gene: ADAR (adenosine deaminase RNA specific; minus strand). Cytogenetic location: 1q21.3.
Variant type: single nucleotide variant.
Coding change: c.2158G>C on transcript NM_001111.5 (MANE Select); coding-DNA position 2158, G replaced by C.
Protein change: p.Val720Leu; replaces valine 720 with leucine.
Molecular consequence: missense variant.
Genome position (GRCh38, 1-based): chr1:154,596,917, C>G on the plus strand (G>C on the coding strand, the complement: ADAR is on the minus strand). VCF-style: chr1-154596917-C-G. GRCh37 (hg19) VCF-style: chr1-154569393-C-G.
Other names: c.1273G>C, p.Val425Leu (NM_001025107.3, NM_001193495.2, NM_001365046.1 and 3 more transcripts); c.2185G>C, p.Val729Leu (NM_001365045.1); c.2158G>C, p.Val720Leu (NM_015840.4); c.2101G>C, p.Val701Leu (NM_015841.4); short protein forms V425L, V720L, V701L, V729L.
Identifiers: ClinVar variation 1475141 (VCV001475141.8), dbSNP rs759837017, ClinGen allele CA342637884.

ClinVar aggregate classification (germline): Uncertain significance (1 of 4 stars; one submission).

Conditions:
Symmetrical dyschromatosis of extremities (DSH). Also called: Dyschromatosis symmetrica hereditaria; DYSCHROMATOSIS SYMMETRICA HEREDITARIA 1; RETICULATE ACROPIGMENTATION OF DOHI; SYMMETRIC DYSCHROMATOSIS OF THE EXTREMITIES. Identifiers: Orphanet 41, MedGen C0406775, MONDO:0007483, OMIM 127400.
Aicardi-Goutieres syndrome 6 (AGS6). Identifiers: Orphanet 51, MedGen C3539013, MONDO:0014007, OMIM 615010.

Submission:

Labcorp Genetics (formerly Invitae), Labcorp
Classification: Uncertain significance for Aicardi-Goutieres syndrome 6; Symmetrical dyschromatosis of extremities. Last evaluated: 2022-09-01. Review status: criteria provided, single submitter. Criteria: Invitae Variant Classification Sherloc (09022015). Collection method: clinical testing. Allele origin: germline.
Comment: In summary, the available evidence is currently insufficient to determine the role of this variant in disease. Therefore, it has been classified as a Variant of Uncertain Significance. Algorithms developed to predict the effect of missense changes on protein structure and function (SIFT, PolyPhen-2, Align-GVGD) all suggest that this variant is likely to be tolerated. ClinVar contains an entry for this variant (Variation ID: 1475141). This variant has not been reported in the literature in individuals affected with ADAR-related conditions. This variant is not present in population databases (gnomAD no frequency). This sequence change replaces valine, which is neutral and non-polar, with leucine, which is neutral and non-polar, at codon 720 of the ADAR protein (p.Val720Leu).